The following is an entry in ClinVar:

ClinVar aggregate classification (germline): Uncertain significance (1 of 4 stars; one submission).

Submission:

GeneDx
Classification: Uncertain significance. Last evaluated: 2022-10-21. Review status: criteria provided, single submitter. Criteria: GeneDx Variant Classification Process June 2021. Collection method: clinical testing. Allele origin: germline. Affected: yes.
Comment: Not observed at significant frequency in large population cohorts (gnomAD); In silico analysis supports that this missense variant has a deleterious effect on protein structure/function; Observed in a patient with a neurodevelopmental disorder, but additional clinical information was not provided (Wang et al., 2020); This variant is associated with the following publications: (PMID: 33004838)

NM_007118.4(TRIO):c.3869C>T (p.Ala1290Val)

Gene: TRIO (trio Rho guanine nucleotide exchange factor; plus strand). Cytogenetic location: 5p15.2.
Variant type: single nucleotide variant.
Coding change: c.3869C>T on transcript NM_007118.4 (MANE Select); coding-DNA position 3869, C replaced by T.
Protein change: p.Ala1290Val; replaces alanine 1290 with valine.
Molecular consequence: missense variant. On other transcripts: non-coding transcript variant (1).
Genome position (GRCh38, 1-based): chr5:14,387,835, C>T. VCF-style: chr5-14387835-C-T. GRCh37 (hg19) VCF-style: chr5-14387944-C-T.
Other names: short protein forms A1290V.
Identifiers: ClinVar variation 2499899 (VCV002499899.1), dbSNP rs2532857637, ClinGen allele CA359227326.